The following is an entry in ClinVar:

NM_001040142.2(SCN2A):c.1490G>A (p.Ser497Asn)

Gene: SCN2A (sodium voltage-gated channel alpha subunit 2; plus strand). Cytogenetic location: 2q24.3.
Variant type: single nucleotide variant.
Coding change: c.1490G>A on transcript NM_001040142.2 (MANE Select); coding-DNA position 1490, G replaced by A.
Protein change: p.Ser497Asn; replaces serine 497 with asparagine.
Molecular consequence: missense variant.
Genome position (GRCh38, 1-based): chr2:165,315,577, G>A. VCF-style: chr2-165315577-G-A. GRCh37 (hg19) VCF-style: chr2-166172087-G-A.
Other names: c.1490G>A, p.Ser497Asn (NM_001040143.2, NM_001371246.1, NM_001371247.1 and 1 more transcripts); short protein forms S497N.
Identifiers: ClinVar variation 835321 (VCV000835321.11), dbSNP rs778749930, ClinGen allele CA1939835.
Genomic context (GRCh38, chr2:165,315,577, plus strand): 5'-CTGGTGGGATAGGAGTTTTTTCAGAGAGTTCTTCAGTAGCATCTAAGTTGAGCTCCAAAA[G>A]TGAAAAAGAGCTGAAAAACAGAAGAAAGAAAAAGAAACAGAAAGAACAGTCTGGAGAAGA-3'
Protein context (NP_001035232.1, residues 487-507): SSVASKLSSK[Ser497Asn]EKELKNRRKK

ClinVar aggregate classification (germline): Uncertain significance. Review status: criteria provided, multiple submitters, no conflicts (2 of 4 stars). 2 submissions from 2 submitters: Uncertain significance (2). Last evaluated 2025-08-01.

Conditions:
Seizures, benign familial infantile, 3 (BFIS3). Also called: Familial neonatal seizures; CONVULSIONS, BENIGN FAMILIAL INFANTILE, 3. Identifiers: Orphanet 140927, Orphanet 306, MedGen C1843140, MONDO:0011904, OMIM 607745.
Developmental and epileptic encephalopathy, 11 (DEE11). Also called: Early infantile epileptic encephalopathy 11. Identifiers: Orphanet 1934, MedGen C3150987, MONDO:0013388, OMIM 613721.

Allele frequency attached by ClinVar (database versions not stated): gnomAD exomes 0.00001 and 0.00002; ExAC 0.00003.
gnomAD v4.1: 8 of 1,613,914 alleles (0.0005%); highest among the groups gnomAD compares: Non-Finnish European, 0.00068%; no homozygotes.

Submissions (2):

GeneDx
Classification: Uncertain significance. Last evaluated: 2025-08-01. Review status: criteria provided, single submitter. Criteria: GeneDx Variant Classification Process June 2021. Collection method: clinical testing. Allele origin: germline. Affected: yes.
Comment: Not observed at significant frequency in large population cohorts (gnomAD); In silico analysis suggests that this missense variant does not alter protein structure/function; This substitution is predicted to be in the cytoplasmic loop between the first and second homologous domains; This variant is associated with the following publications: (PMID: 24848745)

Labcorp Genetics (formerly Invitae), Labcorp
Classification: Uncertain significance for Seizures, benign familial infantile, 3; Developmental and epileptic encephalopathy, 11. Last evaluated: 2020-03-06. Review status: criteria provided, single submitter. Criteria: Invitae Variant Classification Sherloc (09022015). Collection method: clinical testing. Allele origin: germline.
Comment: In summary, the available evidence is currently insufficient to determine the role of this variant in disease. Therefore, it has been classified as a Variant of Uncertain Significance. Algorithms developed to predict the effect of missense changes on protein structure and function are either unavailable or do not agree on the potential impact of this missense change (SIFT: "Deleterious"; PolyPhen-2: "Possibly Damaging"; Align-GVGD: "Class C0"). This variant has been observed in a family affected with febrile seizures (PMID: 24848745). This variant is present in population databases (rs778749930, ExAC 0.006%). This sequence change replaces serine with asparagine at codon 497 of the SCN2A protein (p.Ser497Asn). The serine residue is highly conserved and there is a small physicochemical difference between serine and asparagine.

Literature cited by the submitters: PubMed 24848745 (cited by Labcorp Genetics (formerly Invitae), Labcorp).